The following is an entry in ClinVar:

ClinVar aggregate classification (germline): Conflicting classifications of pathogenicity. Review status: criteria provided, conflicting classifications (1 of 4 stars). 7 submissions from 7 submitters: Uncertain significance (6); Likely benign (1). Last evaluated 2026-01-26.

Conditions:
MYH11-related disorder. Also called: MYH11-related condition.
Familial thoracic aortic aneurysm and aortic dissection (TAAD). Also called: Thoracic aortic aneurysms and dissections. Identifiers: Orphanet 91387, MedGen C4707243, MONDO:0019625.
Aortic aneurysm, familial thoracic 4 (AAT4). Also called: AORTIC ANEURYSM/AORTIC DISSECTION AND PATENT DUCTUS ARTERIOSUS. Identifiers: MedGen C1851504, MONDO:0007568, OMIM 132900.

Allele frequency attached by ClinVar (database versions not stated): ExAC 0.00005; gnomAD exomes 0.00005; TOPMed 0.00007; gnomAD 0.00008; 1000 Genomes Project 30x 0.00016; 1000 Genomes Project 0.00020.
gnomAD v4.1: 158 of 1,612,044 alleles (0.0098%); highest among the groups gnomAD compares: Non-Finnish European, 0.013%; 1 homozygote.

Submissions (7):

Labcorp Genetics (formerly Invitae), Labcorp
Classification: Uncertain significance for Aortic aneurysm, familial thoracic 4. Last evaluated: 2026-01-26. Review status: criteria provided, single submitter. Criteria: Invitae Variant Classification Sherloc (09022015). Collection method: clinical testing. Allele origin: germline.
Comment: This sequence change replaces alanine, which is neutral and non-polar, with valine, which is neutral and non-polar, at codon 1283 of the MYH11 protein (p.Ala1283Val). This variant is present in population databases (rs547038802, gnomAD 0.008%). This variant has not been reported in the literature in individuals affected with MYH11-related conditions. ClinVar contains an entry for this variant (Variation ID: 201067). Invitae Evidence Modeling of protein sequence and biophysical properties (such as structural, functional, and spatial information, amino acid conservation, physicochemical variation, residue mobility, and thermodynamic stability) indicates that this missense variant is not expected to disrupt MYH11 protein function with a negative predictive value of 95%. In summary, the available evidence is currently insufficient to determine the role of this variant in disease. Therefore, it has been classified as a Variant of Uncertain Significance.

Mayo Clinic Laboratories, Mayo Clinic
Classification: Uncertain significance. Last evaluated: 2025-12-17. Review status: criteria provided, single submitter. Criteria: ACMG Guidelines, 2015. Collection method: clinical testing. Allele origin: germline. Observed: 3 variant alleles.
Comment: BP4

Ambry Genetics
Classification: Likely benign for Familial thoracic aortic aneurysm and aortic dissection. Last evaluated: 2025-07-09. Review status: criteria provided, single submitter. Criteria: Ambry Variant Classification Scheme 2023. Collection method: clinical testing. Allele origin: germline.

PreventionGenetics, part of Exact Sciences
Classification: Uncertain significance for MYH11-related condition. Last evaluated: 2024-12-30. Review status: criteria provided, single submitter. Criteria: ACMG Guidelines, 2015. Collection method: clinical testing. Allele origin: germline.
Comment: The MYH11 c.3848C>T variant is predicted to result in the amino acid substitution p.Ala1283Val. This variant has been reported as a variant of uncertain significance in an individual with thoracic aortic aneurysms (Schubert et al. 2016. PubMed ID: 26854089). This variant is reported in 0.0085% of alleles in individuals of European (Non-Finnish) descent in gnomAD. At this time, the clinical significance of this variant is uncertain due to the absence of conclusive functional and genetic evidence.

Color Diagnostics, LLC DBA Color Health
Classification: Uncertain significance for Familial thoracic aortic aneurysm and aortic dissection. Last evaluated: 2024-04-25. Review status: criteria provided, single submitter. Criteria: ACMG Guidelines, 2015. Collection method: clinical testing. Allele origin: germline.
Comment: This missense variant replaces alanine with valine at codon 1283 of the MYH11 protein. Computational prediction tools indicate that this variant has a neutral impact on protein structure and function. To our knowledge, functional studies have not been reported for this variant. This variant has not been reported in individuals affected with MYH11-related disorders in the literature. This variant has been identified in 16/281134 chromosomes in the general population by the Genome Aggregation Database (gnomAD). The available evidence is insufficient to determine the role of this variant in disease conclusively. Therefore, this variant is classified as a Variant of Uncertain Significance.

GeneDx
Classification: Uncertain significance. Last evaluated: 2024-03-19. Review status: criteria provided, single submitter. Criteria: GeneDx Variant Classification Process June 2021. Collection method: clinical testing. Allele origin: germline. Affected: yes.
Comment: Has not been previously published as pathogenic or benign to our knowledge; In silico analysis indicates that this missense variant does not alter protein structure/function

CHEO Genetics Diagnostic Laboratory, Children's Hospital of Eastern Ontario
Classification: Uncertain significance for Familial thoracic aortic aneurysm and aortic dissection. Last evaluated: 2017-11-27. Review status: criteria provided, single submitter. Criteria: ACMG Guidelines, 2015. Collection method: clinical testing. Allele origin: germline.

NM_002474.3(MYH11):c.3827C>T (p.Ala1276Val)

Gene: MYH11 (myosin heavy chain 11; minus strand). Cytogenetic location: 16p13.11.
Variant type: single nucleotide variant.
Coding change: c.3827C>T on transcript NM_002474.3 (MANE Select); coding-DNA position 3827, C replaced by T.
Protein change: p.Ala1276Val; replaces alanine 1276 with valine.
Molecular consequence: missense variant.
Genome position (GRCh38, 1-based): chr16:15,726,879, G>A on the plus strand (C>T on the coding strand, the complement: MYH11 is on the minus strand). VCF-style: chr16-15726879-G-A. GRCh37 (hg19) VCF-style: chr16-15820736-G-A.
Other names: p.A1276V:GCG>GTG; p.Ala1276Val; p.Ala1283Val; c.3827C>T (NM_022844.2); c.3848C>T, p.Ala1283Val (NM_001040113.2, NM_001040114.2); c.3827C>T, p.Ala1276Val (NM_022844.3); short protein forms A1276V, A1283V.
Identifiers: ClinVar variation 201067 (VCV000201067.30), dbSNP rs547038802, ClinGen allele CA306543.
Genomic context (GRCh38, chr16:15,726,879, plus strand): 5'-CCCACCACACCACCGCGCCACCTCCTCACCTGCAGCTTGTGGACTTTGTCATTGAGCTCC[G>A]CCCGGGCCCGCTCCCCATCGCTGCACTTGGACTGCAGCTCCTGCACCTGCGCCTCCAGCT-3'
Protein context (NP_002465.1, residues 1266-1286): SKCSDGERAR[Ala1276Val]ELNDKVHKLQ